The following is an entry in ClinVar:

ClinVar aggregate classification (germline): Uncertain significance (1 of 4 stars; one submission).

Conditions:
Inborn genetic diseases. Identifiers: MedGen C0950123, MeSH D030342.

Allele frequency attached by ClinVar (database versions not stated): TOPMed below 0.00001; gnomAD 0.00001.

Submission:

Ambry Genetics
Classification: Uncertain significance for Inborn genetic diseases. Last evaluated: 2022-03-16. Review status: criteria provided, single submitter. Criteria: Ambry Variant Classification Scheme 2023. Collection method: clinical testing. Allele origin: germline.
Comment: The p.H613N variant (also known as c.1837C>A), located in coding exon 20 of the ERCC2 gene, results from a C to A substitution at nucleotide position 1837. The histidine at codon 613 is replaced by asparagine, an amino acid with similar properties. This amino acid position is conserved. In addition, the in silico prediction for this alteration is inconclusive. Since supporting evidence is limited at this time, the clinical significance of this alteration remains unclear.

NM_000400.4(ERCC2):c.1837C>A (p.His613Asn)

Gene: ERCC2 (ERCC excision repair 2, TFIIH core complex helicase subunit; minus strand). Cytogenetic location: 19q13.32.
Variant type: single nucleotide variant.
Coding change: c.1837C>A on transcript NM_000400.4 (MANE Select); coding-DNA position 1837, C replaced by A.
Protein change: p.His613Asn; replaces histidine 613 with asparagine.
Molecular consequence: missense variant.
Genome position (GRCh38, 1-based): chr19:45,352,811, G>T on the plus strand (C>A on the coding strand, the complement: ERCC2 is on the minus strand). VCF-style: chr19-45352811-G-T. GRCh37 (hg19) VCF-style: chr19-45856069-G-T.
Other names: short protein forms H613N.
Identifiers: ClinVar variation 1781057 (VCV001781057.2), dbSNP rs1173304010, ClinGen allele CA406363947.